The following is an entry in ClinVar:

ClinVar aggregate classification (germline): Uncertain significance (1 of 4 stars; one submission).

Allele frequency attached by ClinVar (database versions not stated): TOPMed below 0.00001.
gnomAD v4.1: 4 of 1,612,870 alleles (0.00025%); highest among the groups gnomAD compares: Admixed American, 0.0017%; no homozygotes.

Submission:

Labcorp Genetics (formerly Invitae), Labcorp
Classification: Uncertain significance. Last evaluated: 2023-11-12. Review status: criteria provided, single submitter. Criteria: Invitae Variant Classification Sherloc (09022015). Collection method: clinical testing. Allele origin: germline.
Comment: This sequence change replaces arginine, which is basic and polar, with tryptophan, which is neutral and slightly polar, at codon 201 of the NAA15 protein (p.Arg201Trp). This variant is present in population databases (no rsID available, gnomAD 0.003%). This variant has not been reported in the literature in individuals affected with NAA15-related conditions. An algorithm developed to predict the effect of missense changes on protein structure and function (PolyPhen-2) suggests that this variant is likely to be disruptive. In summary, the available evidence is currently insufficient to determine the role of this variant in disease. Therefore, it has been classified as a Variant of Uncertain Significance.

NM_057175.5(NAA15):c.601C>T (p.Arg201Trp)

Gene: NAA15 (N-alpha-acetyltransferase 15, NatA auxiliary subunit; plus strand). Cytogenetic location: 4q31.1.
Variant type: single nucleotide variant.
Coding change: c.601C>T on transcript NM_057175.5 (MANE Select); coding-DNA position 601, C replaced by T.
Protein change: p.Arg201Trp; replaces arginine 201 with tryptophan.
Molecular consequence: missense variant.
Genome position (GRCh38, 1-based): chr4:139,344,249, C>T. VCF-style: chr4-139344249-C-T. GRCh37 (hg19) VCF-style: chr4-140265403-C-T.
Other names: c.601C>T, p.Arg201Trp (NM_001410842.1, NM_025085.2); short protein forms R201W.
Identifiers: ClinVar variation 2984400 (VCV002984400.3), dbSNP rs1015535318, ClinGen allele CA106707647.
Genomic context (GRCh38, chr4:139,344,249, plus strand): 5'-TCCCCTGACAAGGTGGATTATGAATATAGTGAACTACTCTTATATCAGAATCAAGTTCTT[C>T]GGGAAGCAGGTCTCTATAGAGAAGCTTTGGAACATCTTTGTACCTATGAAAAGCAGATTT-3'
Protein context (NP_476516.1, residues 191-211): ELLLYQNQVL[Arg201Trp]EAGLYREALE